The following is an entry in ClinVar:

NM_001374736.1(DST):c.23311G>A (p.Val7771Met)

Gene: DST (dystonin; minus strand). Cytogenetic location: 6p12.1.
Variant type: single nucleotide variant.
Coding change: c.23311G>A on transcript NM_001374736.1 (MANE Select); coding-DNA position 23311, G replaced by A.
Protein change: p.Val7771Met; replaces valine 7771 with methionine.
Molecular consequence: missense variant.
Genome position (GRCh38, 1-based): chr6:56,459,151, C>T on the plus strand (G>A on the coding strand, the complement: DST is on the minus strand). VCF-style: chr6-56459151-C-T. GRCh37 (hg19) VCF-style: chr6-56323949-C-T.
Other names: c.16882G>A, p.Val5628Met (NM_001144769.5); c.16468G>A, p.Val5490Met (NM_001144770.2); c.23239G>A, p.Val7747Met (NM_001374722.1); c.22240G>A, p.Val7414Met (NM_001374729.1); c.15982G>A, p.Val5328Met (NM_001374730.1); c.23266G>A, p.Val7756Met (NM_001374734.1); c.16330G>A, p.Val5444Met (NM_001386100.1); c.15370G>A, p.Val5124Met (NM_015548.5); and 2 more; short protein forms V5124M, V5328M, V5444M, V5450M, V5490M, V5628M, V7414M, V7747M.
Identifiers: ClinVar variation 1051434 (VCV001051434.10), dbSNP rs774765327, ClinGen allele CA3865990.

ClinVar aggregate classification (germline): Uncertain significance. Review status: criteria provided, multiple submitters, no conflicts (2 of 4 stars). 2 submissions from 2 submitters: Uncertain significance (2). Last evaluated 2022-12-06.

Conditions:
Inborn genetic diseases. Identifiers: MedGen C0950123, MeSH D030342.
Hereditary sensory and autonomic neuropathy type 6. Also called: Neuropathy, hereditary sensory and autonomic, type VI; HSAN VI. Identifiers: Orphanet 314381, MedGen C3539003, MONDO:0013839, OMIM 614653.
Epidermolysis bullosa simplex 3, localized or generalized intermediate, with BP230 deficiency (EBS3). Also called: Epidermolysis bullosa simplex due to BP230 deficiency; Epidermolysis bullosa simplex, autosomal recessive 2. Identifiers: Orphanet 412181, MedGen C3809470, MONDO:0014180, OMIM 615425.

Allele frequency attached by ClinVar (database versions not stated): gnomAD exomes 0.00001 and 0.00003; TOPMed 0.00001; ExAC 0.00002; gnomAD 0.00002.
gnomAD v4.1: 20 of 1,613,840 alleles (0.0012%); highest among the groups gnomAD compares: East Asian, 0.0045%; no homozygotes.

Submissions (2):

Labcorp Genetics (formerly Invitae), Labcorp
Classification: Uncertain significance for Epidermolysis bullosa simplex 3, localized or generalized intermediate, with BP230 deficiency; Hereditary sensory and autonomic neuropathy type 6. Last evaluated: 2022-12-06. Review status: criteria provided, single submitter. Criteria: Invitae Variant Classification Sherloc (09022015). Collection method: clinical testing. Allele origin: germline.
Comment: In summary, the available evidence is currently insufficient to determine the role of this variant in disease. Therefore, it has been classified as a Variant of Uncertain Significance. Experimental studies and prediction algorithms are not available or were not evaluated, and the functional significance of this variant is currently unknown. This variant has not been reported in the literature in individuals affected with DST-related conditions. This variant is present in population databases (rs774765327, gnomAD 0.005%). This sequence change replaces valine, which is neutral and non-polar, with methionine, which is neutral and non-polar, at codon 5124 of the DST protein (p.Val5124Met). The DST gene has multiple clinically relevant transcripts. This variant occurs in alternate transcript NM_015548.4, and corresponds to NM_001723.5:c.*156366G>A in the primary transcript.

Ambry Genetics
Classification: Uncertain significance for Inborn genetic diseases. Last evaluated: 2022-12-05. Review status: criteria provided, single submitter. Criteria: Ambry Variant Classification Scheme 2023. Collection method: clinical testing. Allele origin: germline.